The following is an entry in ClinVar:

NC_000008.10:g.(?_100133385)_(100133693_?)del

Gene: VPS13B (vacuolar protein sorting 13 homolog B; plus strand). Cytogenetic location: 8q22.2.
Variant type: Deletion.
Identifiers: ClinVar variation 3245431 (VCV003245431.1).

ClinVar aggregate classification (germline): Pathogenic (1 of 4 stars; one submission).

Conditions:
Cohen syndrome (COH1). Also called: Cutis verticis gyrata, retinitis pigmentosa, and sensorineural deafness; PEPPER SYNDROME. Identifiers: Orphanet 193, MedGen C0265223, MONDO:0008999, OMIM 216550.

Submission:

Labcorp Genetics (formerly Invitae), Labcorp
Classification: Pathogenic for Cohen syndrome. Last evaluated: 2023-05-02. Review status: criteria provided, single submitter. Criteria: Invitae Variant Classification Sherloc (09022015). Collection method: clinical testing. Allele origin: unknown.
Comment: For these reasons, this variant has been classified as Pathogenic. This variant has not been reported in the literature in individuals affected with VPS13B-related conditions. This variant is a gross deletion of the genomic region encompassing exon(s) 8 of the VPS13B gene. This deletion is out-of-frame, and is expected to create a premature termination codon and result in an absent or disrupted protein product. Loss-of-function variants in VPS13B are known to be pathogenic (PMID: 15141358, 16648375, 20461111).

Literature cited by the submitters: PubMed 15141358; PubMed 16648375; PubMed 20461111.